The following is an entry in ClinVar:

ClinVar aggregate classification (germline): Uncertain significance. Review status: criteria provided, multiple submitters, no conflicts (2 of 4 stars). 2 submissions from 2 submitters: Uncertain significance (2). Last evaluated 2025-12-26.

Conditions:
Inborn genetic diseases. Identifiers: MedGen C0950123, MeSH D030342.
Baller-Gerold syndrome (BGS). Also called: CRANIOSYNOSTOSIS WITH RADIAL DEFECTS. Identifiers: Orphanet 1225, MedGen C0265308, MONDO:0009039, OMIM 218600.

Submissions (2):

Ambry Genetics
Classification: Uncertain significance for Inborn genetic diseases. Last evaluated: 2025-12-26. Review status: criteria provided, single submitter. Criteria: Ambry Variant Classification Scheme 2023. Collection method: clinical testing. Allele origin: germline.
Comment: The p.R182L variant (also known as c.545G>T), located in coding exon 5 of the RECQL4 gene, results from a G to T substitution at nucleotide position 545. The arginine at codon 182 is replaced by leucine, an amino acid with dissimilar properties. This amino acid position is conserved. In addition, this alteration is predicted to be tolerated by in silico analysis. Based on the available evidence, the clinical significance of this variant remains unclear.

Labcorp Genetics (formerly Invitae), Labcorp
Classification: Uncertain significance for Baller-Gerold syndrome. Last evaluated: 2022-06-29. Review status: criteria provided, single submitter. Criteria: Invitae Variant Classification Sherloc (09022015). Collection method: clinical testing. Allele origin: germline.
Comment: In summary, the available evidence is currently insufficient to determine the role of this variant in disease. Therefore, it has been classified as a Variant of Uncertain Significance. Experimental studies and prediction algorithms are not available or were not evaluated, and the functional significance of this variant is currently unknown. This variant has not been reported in the literature in individuals affected with RECQL4-related conditions. This variant is not present in population databases (gnomAD no frequency). This sequence change replaces arginine, which is basic and polar, with leucine, which is neutral and non-polar, at codon 182 of the RECQL4 protein (p.Arg182Leu).

NM_004260.4(RECQL4):c.545G>T (p.Arg182Leu)

Gene: RECQL4 (RecQ like helicase 4; minus strand). Cytogenetic location: 8q24.3.
Variant type: single nucleotide variant.
Coding change: c.545G>T on transcript NM_004260.4 (MANE Select); coding-DNA position 545, G replaced by T.
Protein change: p.Arg182Leu; replaces arginine 182 with leucine.
Molecular consequence: missense variant.
Genome position (GRCh38, 1-based): chr8:144,516,574, C>A on the plus strand (G>T on the coding strand, the complement: RECQL4 is on the minus strand). VCF-style: chr8-144516574-C-A. GRCh37 (hg19) VCF-style: chr8-145741958-C-A.
Other names: c.545G>T, p.Arg182Leu (NM_001413017.1, NM_001413018.1, NM_001413019.1 and 4 more transcripts); c.-527G>T (NM_001413022.1, NM_001413023.1, NM_001413024.1 and 5 more transcripts); c.416G>T, p.Arg139Leu (NM_001413025.1); c.-589G>T (NM_001413027.1, NM_001413030.1, NM_001413031.1 and 2 more transcripts); c.-431G>T (NM_001413034.1); c.-796G>T (NM_001413043.1); c.545G>T (NM_004260.3); short protein forms R182L, R139L.
Identifiers: ClinVar variation 2012035 (VCV002012035.5), dbSNP rs565903685, ClinGen allele CA372691077.